The following is an entry in ClinVar:

ClinVar aggregate classification (germline): Uncertain significance (1 of 4 stars; one submission).

Conditions:
Charcot-Marie-Tooth disease axonal type 2Z. Also called: CHARCOT-MARIE-TOOTH DISEASE, AXONAL, AUTOSOMAL DOMINANT, TYPE 2Z; CHARCOT-MARIE-TOOTH NEUROPATHY, TYPE 2Z. Identifiers: Orphanet 466768, MedGen C5569025, MONDO:0014736, OMIM 616688.

Submission:

Labcorp Genetics (formerly Invitae), Labcorp
Classification: Uncertain significance for Charcot-Marie-Tooth disease axonal type 2Z. Last evaluated: 2024-07-26. Review status: criteria provided, single submitter. Criteria: Invitae Variant Classification Sherloc (09022015). Collection method: clinical testing. Allele origin: germline.
Comment: This variant, c.2238_2249del, results in the deletion of 4 amino acid(s) of the MORC2 protein (p.Val748_Glu751del), but otherwise preserves the integrity of the reading frame. This variant is present in population databases (rs765247737, gnomAD 0.007%). This variant has not been reported in the literature in individuals affected with MORC2-related conditions. Experimental studies and prediction algorithms are not available or were not evaluated, and the functional significance of this variant is currently unknown. In summary, the available evidence is currently insufficient to determine the role of this variant in disease. Therefore, it has been classified as a Variant of Uncertain Significance.

NM_001303256.3(MORC2):c.2238_2249del (p.Val748_Glu751del)

Gene: MORC2 (MORC family CW-type zinc finger 2; minus strand). Cytogenetic location: 22q12.2.
Variant type: Deletion.
Coding change: c.2238_2249del on transcript NM_001303256.3 (MANE Select); coding-DNA positions 2238 to 2249, 12 bases deleted (AGAAGTTGAGGA).
Protein change: p.Val748_Glu751del.
Genome position (GRCh38, 1-based): chr22:30,934,136-30,934,147, TCCTCAACTTCT deleted on the plus strand (AGAAGTTGAGGA on the coding strand, the reverse complement: MORC2 is on the minus strand); deleting any 12 consecutive bases within chr22:30,934,136-30,934,153 gives the same sequence; the c. name uses the placement nearest the transcript's 3' end. VCF-style (leftmost placement, unchanged base first): chr22-30934135-CTCCTCAACTTCT-C. GRCh37 (hg19) VCF-style: chr22-31330122-CTCCTCAACTTCT-C.
Other names: c.2238_2249del, p.Val748_Glu751del (NM_001303257.2); c.2052_2063del, p.Val686_Glu689del (NM_014941.3).
Identifiers: ClinVar variation 3703669 (VCV003703669.2).